The following is an entry in ClinVar:

NM_001079855.2(GYG2):c.870G>A (p.Ala290=)

Gene: GYG2 (glycogenin 2; plus strand). Cytogenetic location: Xp22.33.
Variant type: single nucleotide variant.
Coding change: c.870G>A on transcript NM_001079855.2 (MANE Select); coding-DNA position 870, G replaced by A.
Protein change: p.Ala290=; no amino-acid change (alanine 290 retained).
Molecular consequence: synonymous variant.
Genome position (GRCh38, 1-based): chrX:2,861,554, G>A. VCF-style: chrX-2861554-G-A. GRCh37 (hg19) VCF-style: chrX-2779595-G-A.
Other names: c.870G>A, p.Ala290= (NM_001184702.2); c.963G>A, p.Ala321= (NM_001184703.2, NM_003918.3); c.405G>A, p.Ala135= (NM_001184704.2).
Identifiers: ClinVar variation 381209 (VCV000381209.11), dbSNP rs73632947, ClinGen allele CA10337204.

ClinVar aggregate classification (germline): Benign. Review status: criteria provided, multiple submitters, no conflicts (2 of 4 stars). 3 submissions from 3 submitters: Benign (3). Last evaluated 2026-01-28.

Allele frequency attached by ClinVar (database versions not stated): gnomAD exomes 0.00128 and 0.00365; ExAC 0.00505; gnomAD 0.01233 and 0.01315; 1000 Genomes Project 0.01351; 1000 Genomes Project 30x 0.01436; TOPMed 0.01490; ESP Exome Variant Server 0.01581.
gnomAD v4.1: 2,841 of 1,206,415 alleles (0.24%); highest among the groups gnomAD compares: African/African-American, 4.2%; 47 homozygotes.

Submissions (3):

Labcorp Genetics (formerly Invitae), Labcorp
Classification: Benign. Last evaluated: 2026-01-28. Review status: criteria provided, single submitter. Criteria: Invitae Variant Classification Sherloc (09022015). Collection method: clinical testing. Allele origin: germline.

GeneDx
Classification: Benign. Last evaluated: 2015-12-17. Review status: criteria provided, single submitter. Criteria: GeneDx Variant Classification (06012015). Collection method: clinical testing. Allele origin: germline. Affected: yes.
Comment: This variant is considered likely benign or benign based on one or more of the following criteria: it is a conservative change, it occurs at a poorly conserved position in the protein, it is predicted to be benign by multiple in silico algorithms, and/or has population frequency not consistent with disease.

Breakthrough Genomics
Classification: Benign. Review status: criteria provided, single submitter. Criteria: ACMG Guidelines, 2015. Collection method: not provided. Allele origin: germline. Inheritance: Unknown mechanism. Affected: yes.